The following is an entry in ClinVar:

ClinVar aggregate classification (germline): Likely benign (1 of 4 stars; one submission).

Submission:

CeGaT Center for Human Genetics Tuebingen
Classification: Likely benign. Last evaluated: 2025-12-01. Review status: criteria provided, single submitter. Criteria: CeGaT Center For Human Genetics Tuebingen Variant Classification Criteria Version 2. Collection method: clinical testing. Allele origin: germline. Affected: yes. Observed: 1 variant allele.
Comment: PRICKLE1: PM2:Supporting, BP4, BP7

NM_153026.3(PRICKLE1):c.2322A>G (p.Glu774=)

Gene: PRICKLE1 (prickle planar cell polarity protein 1; minus strand). Cytogenetic location: 12q12.
Variant type: single nucleotide variant.
Coding change: c.2322A>G on transcript NM_153026.3 (MANE Select); coding-DNA position 2322, A replaced by G.
Protein change: p.Glu774=; no amino-acid change (glutamic acid 774 retained).
Molecular consequence: synonymous variant.
Genome position (GRCh38, 1-based): chr12:42,459,983, T>C on the plus strand (A>G on the coding strand, the complement: PRICKLE1 is on the minus strand). VCF-style: chr12-42459983-T-C. GRCh37 (hg19) VCF-style: chr12-42853785-T-C.
Other names: c.2322A>G, p.Glu774= (NM_001144881.2, NM_001144882.2, NM_001144883.2).
Identifiers: ClinVar variation 4681520 (VCV004681520.5).